The following is an entry in ClinVar:

NM_015378.4(VPS13D):c.7505G>A (p.Arg2502Gln)

Gene: VPS13D (vacuolar protein sorting 13 homolog D; plus strand). Cytogenetic location: 1p36.22.
Variant type: single nucleotide variant.
Coding change: c.7505G>A on transcript NM_015378.4 (MANE Select); coding-DNA position 7505, G replaced by A.
Protein change: p.Arg2502Gln; replaces arginine 2502 with glutamine.
Molecular consequence: missense variant.
Genome position (GRCh38, 1-based): chr1:12,319,587, G>A. VCF-style: chr1-12319587-G-A. GRCh37 (hg19) VCF-style: chr1-12379644-G-A.
Other names: p.Arg2502Gln; c.7505G>A, p.Arg2502Gln (NM_018156.4); short protein forms R2502Q.
Identifiers: ClinVar variation 3380875 (VCV003380875.1).

ClinVar aggregate classification (germline): Uncertain significance (1 of 4 stars; one submission).

gnomAD v4.1: 36 of 1,614,170 alleles (0.0022%); highest among the groups gnomAD compares: African/African-American, 0.0053%; 1 homozygote.

Submission:

Mayo Clinic Laboratories, Mayo Clinic
Classification: Uncertain significance. Last evaluated: 2024-07-22. Review status: criteria provided, single submitter. Criteria: ACMG Guidelines, 2015. Collection method: clinical testing. Allele origin: germline. Observed: 1 variant allele.
Comment: BP4